The following is an entry in ClinVar:

ClinVar aggregate classification (germline): Uncertain significance (1 of 4 stars; one submission).

Conditions:
Brachyolmia-amelogenesis imperfecta syndrome. Also called: PLATYSPONDYLY WITH AMELOGENESIS IMPERFECTA; Tooth agenesis, selective, 6; Dental anomalies and short stature. Identifiers: Orphanet 2899, MedGen C1832594, MONDO:0011018, OMIM 601216. Disease mechanism: loss of function.

Submission:

Labcorp Genetics (formerly Invitae), Labcorp
Classification: Uncertain significance for Brachyolmia-amelogenesis imperfecta syndrome. Last evaluated: 2024-03-18. Review status: criteria provided, single submitter. Criteria: Invitae Variant Classification Sherloc (09022015). Collection method: clinical testing. Allele origin: germline.
Comment: This sequence change falls in intron 12 of the LTBP3 gene. It does not directly change the encoded amino acid sequence of the LTBP3 protein. This variant is not present in population databases (gnomAD no frequency). This variant has not been reported in the literature in individuals affected with LTBP3-related conditions. Algorithms developed to predict the effect of sequence changes on RNA splicing suggest that this variant may disrupt the consensus splice site. In summary, the available evidence is currently insufficient to determine the role of this variant in disease. Therefore, it has been classified as a Variant of Uncertain Significance.

NM_001130144.3(LTBP3):c.1847-20G>A

Gene: LTBP3 (latent transforming growth factor beta binding protein 3; minus strand). Cytogenetic location: 11q13.1.
Variant type: single nucleotide variant.
Coding change: c.1847-20G>A on transcript NM_001130144.3 (MANE Select); 20 bases into the intron before coding-DNA position 1847, G replaced by A.
Molecular consequence: intron variant.
Genome position (GRCh38, 1-based): chr11:65,547,841, C>T on the plus strand (G>A on the coding strand, the complement: LTBP3 is on the minus strand). VCF-style: chr11-65547841-C-T. GRCh37 (hg19) VCF-style: chr11-65315312-C-T.
Other names: c.1496-20G>A (NM_001164266.1); c.1847-20G>A (NM_021070.4).
Identifiers: ClinVar variation 3643107 (VCV003643107.2).